The following is an entry in ClinVar:

ClinVar aggregate classification (germline): Uncertain significance (1 of 4 stars; one submission).

gnomAD v4.1: 3 of 1,613,546 alleles (0.00019%); highest among the groups gnomAD compares: Non-Finnish European, 0.00025%; no homozygotes.

Submission:

Labcorp Genetics (formerly Invitae), Labcorp
Classification: Uncertain significance. Last evaluated: 2025-06-22. Review status: criteria provided, single submitter. Criteria: Invitae Variant Classification Sherloc (09022015). Collection method: clinical testing. Allele origin: germline.
Comment: This sequence change replaces asparagine, which is neutral and polar, with serine, which is neutral and polar, at codon 233 of the TNNI3K protein (p.Asn233Ser). This variant is present in population databases (no rsID available, gnomAD 0.003%). This variant has not been reported in the literature in individuals affected with TNNI3K-related conditions. ClinVar contains an entry for this variant (Variation ID: 3679500). Invitae Evidence Modeling of protein sequence and biophysical properties (such as structural, functional, and spatial information, amino acid conservation, physicochemical variation, residue mobility, and thermodynamic stability) indicates that this missense variant is not expected to disrupt TNNI3K protein function with a negative predictive value of 80%. In summary, the available evidence is currently insufficient to determine the role of this variant in disease. Therefore, it has been classified as a Variant of Uncertain Significance.

NM_015978.3(TNNI3K):c.698A>G (p.Asn233Ser)

Genes: FPGT-TNNI3K (FPGT-TNNI3K readthrough; plus strand), TNNI3K (TNNI3 interacting kinase; plus strand). Cytogenetic location: 1p31.1.
Variant type: single nucleotide variant.
Coding change: c.698A>G on transcript NM_015978.3 (MANE Select); coding-DNA position 698, A replaced by G.
Protein change: p.Asn233Ser; replaces asparagine 233 with serine.
Molecular consequence: missense variant.
Genome position (GRCh38, 1-based): chr1:74,342,857, A>G. VCF-style: chr1-74342857-A-G. GRCh37 (hg19) VCF-style: chr1-74808541-A-G.
Other names: c.1001A>G, p.Asn334Ser (NM_001112808.3, NM_001199327.2); short protein forms N233S, N334S.
Identifiers: ClinVar variation 3679500 (VCV003679500.2).